The following is an entry in ClinVar:

ClinVar aggregate classification (germline): Conflicting classifications of pathogenicity. Review status: criteria provided, conflicting classifications (1 of 4 stars). 6 submissions from 6 submitters: Likely pathogenic (1); Uncertain significance (4). 1 of the submissions does not count toward it. Last evaluated 2024-08-07.

Conditions:
Prolonged electroretinal response suppression 2 (PERRS2). Also called: BRADYOPSIA 2. Identifiers: MedGen C5830452, MONDO:0958190, OMIM 620344.

Submissions (6):

Blueprint Genetics
Classification: Uncertain significance. Last evaluated: 2024-08-07. Review status: criteria provided, single submitter. Criteria: ACMG Guidelines, 2015. Collection method: clinical testing. Allele origin: germline.

3billion
Classification: Likely pathogenic for Prolonged electroretinal response suppression 2. Last evaluated: 2023-07-03. Review status: criteria provided, single submitter. Criteria: ACMG Guidelines, 2015. Collection method: clinical testing. Allele origin: germline. Affected: yes.
Comment: The variant is observed at an extremely low frequency in the gnomAD v2.1.1 dataset (total allele frequency: 0.040%). Predicted Consequence/Location: Frameshift: predicted to result in a loss or disruption of normal protein function through protein truncation. The predicted truncated protein may be shortened by more than 10%. The variant has been reported to be associated with RGS9BP related disorder (PMID: 19818506). Therefore, this variant is classified as Likely pathogenic according to the recommendation of ACMG/AMP guideline.

Department of Pathology and Laboratory Medicine, Sinai Health System
Classification: Uncertain significance for Prolonged electroretinal response suppression 2. Last evaluated: 2023-02-06. Review status: criteria provided, single submitter. Criteria: ACMG Guidelines, 2015. Collection method: research. Allele origin: germline.

Labcorp Genetics (formerly Invitae), Labcorp
Classification: Uncertain significance. Last evaluated: 2022-11-01. Review status: criteria provided, single submitter. Criteria: Invitae Variant Classification Sherloc (09022015). Collection method: clinical testing. Allele origin: germline.
Comment: This sequence change results in a frameshift in the RGS9BP gene (p.Cys206Leufs*94). While this is not anticipated to result in nonsense mediated decay, it is expected to disrupt the last 30 amino acid(s) of the RGS9BP protein and extend the protein by 63 additional amino acid residues. The frequency data for this variant in the population databases is considered unreliable, as metrics indicate poor data quality at this position in the gnomAD database. This frameshift has been observed in individual(s) with bradyopsia and macular dystrophy (PMID: 19818506, 31144483). This variant is also known as c.607insG, c.614_615insG or p.G205delinsGLfs. ClinVar contains an entry for this variant (Variation ID: 964535). Experimental studies and prediction algorithms are not available or were not evaluated, and the functional significance of this variant is currently unknown. In summary, the available evidence is currently insufficient to determine the role of this variant in disease. Therefore, it has been classified as a Variant of Uncertain Significance.

Breakthrough Genomics
Classification: Uncertain significance. Review status: criteria provided, single submitter. Criteria: ACMG Guidelines, 2015. Collection method: not provided. Allele origin: germline. Inheritance: Autosomal dominant inheritance. Affected: yes.

OMIM
Classification: drug response for PROLONGED ELECTRORETINAL RESPONSE SUPPRESSION 2. Last evaluated: 2023-04-24. Review status: no assertion criteria provided. Collection method: literature only. Allele origin: germline. Not counted in ClinVar's aggregate classification.

Literature cited by the submitters: PubMed 19818506 (cited by 3 submitters); PubMed 31144483 (cited by Labcorp Genetics (formerly Invitae), Labcorp).

NM_207391.3(RGS9BP):c.614dup (p.Cys206fs)

Gene: RGS9BP (regulator of G protein signaling 9 binding protein; plus strand). Cytogenetic location: 19q13.11.
Variant type: Duplication.
Coding change: c.614dup on transcript NM_207391.3 (MANE Select); coding-DNA position 614, one base duplicated (G; older notation c.614dupG).
Protein change: p.Cys206fs; shifts the reading frame from cysteine 206.
Molecular consequence: frameshift variant.
Genome position (GRCh38, 1-based): chr19:32,676,877, G duplicated; the last of 8 consecutive G bases (chr19:32,676,870-32,676,877); duplicating any one gives the same sequence. VCF-style (leftmost placement, unchanged base first): chr19-32676869-C-CG. GRCh37 (hg19) VCF-style: chr19-33167775-C-CG.
Other names: short protein forms C206fs.
Identifiers: ClinVar variation 964535 (VCV000964535.9), dbSNP rs757764760, ClinGen allele CA9357564.